The following is an entry in ClinVar:

NM_172364.5(CACNA2D4):c.237A>G (p.Leu79=)

Gene: CACNA2D4 (calcium voltage-gated channel auxiliary subunit alpha2delta 4; minus strand). Cytogenetic location: 12p13.33.
Variant type: single nucleotide variant.
Coding change: c.237A>G on transcript NM_172364.5 (MANE Select); coding-DNA position 237, A replaced by G.
Protein change: p.Leu79=; no amino-acid change (leucine 79 retained).
Molecular consequence: synonymous variant.
Genome position (GRCh38, 1-based): chr12:1,914,926, T>C on the plus strand (A>G on the coding strand, the complement: CACNA2D4 is on the minus strand). VCF-style: chr12-1914926-T-C. GRCh37 (hg19) VCF-style: chr12-2024092-T-C.
Identifiers: ClinVar variation 262815 (VCV000262815.16), dbSNP rs73038195, ClinGen allele CA6387607.

ClinVar aggregate classification (germline): Benign. Review status: criteria provided, multiple submitters, no conflicts (2 of 4 stars). 5 submissions from 5 submitters: Benign (5). Last evaluated 2026-02-01.

Conditions:
Retinal cone dystrophy 4 (RCD4). Identifiers: Orphanet 1872, MedGen C1864849, MONDO:0012507, OMIM 610478.

Allele frequency attached by ClinVar (database versions not stated): 1000 Genomes Project 30x 0.04263; 1000 Genomes Project 0.04393; TOPMed 0.06205; gnomAD 0.06912 and 0.06938; ESP Exome Variant Server 0.07110; gnomAD exomes 0.07817 and 0.09316; ExAC 0.07888.
gnomAD v4.1: 146,193 of 1,610,796 alleles (9.1%); highest among the groups gnomAD compares: Non-Finnish European, 10%; 7,507 homozygotes.

Submissions (5):

Labcorp Genetics (formerly Invitae), Labcorp
Classification: Benign. Last evaluated: 2026-02-01. Review status: criteria provided, single submitter. Criteria: Invitae Variant Classification Sherloc (09022015). Collection method: clinical testing. Allele origin: germline.

Blueprint Genetics
Classification: Benign. Last evaluated: 2024-11-27. Review status: criteria provided, single submitter. Criteria: ACMG Guidelines, 2015. Collection method: clinical testing. Allele origin: germline.

Illumina Laboratory Services, Illumina
Classification: Benign for Retinal cone dystrophy 4. Last evaluated: 2018-01-12. Review status: criteria provided, single submitter. Criteria: ICSL Variant Classification Criteria 13 December 2019. Collection method: clinical testing. Allele origin: germline.
Comment: This variant was observed in the ICSL laboratory as part of a predisposition screen in an ostensibly healthy population. It had not been previously curated by ICSL or reported in the Human Gene Mutation Database (HGMD: prior to June 1st, 2018), and was therefore a candidate for classification through an automated scoring system. Utilizing variant allele frequency, disease prevalence and penetrance estimates, and inheritance mode, an automated score was calculated to assess if this variant is too frequent to cause the disease. Based on the score and internal cut-off values, a variant classified as benign is not then subjected to further curation. The score for this variant resulted in a classification of benign for this disease.

Breakthrough Genomics
Classification: Benign. Review status: criteria provided, single submitter. Criteria: ACMG Guidelines, 2015. Collection method: not provided. Allele origin: germline. Inheritance: Autosomal recessive inheritance. Affected: yes.

PreventionGenetics, part of Exact Sciences
Classification: Benign. Review status: criteria provided, single submitter. Criteria: ACMG Guidelines, 2015. Collection method: clinical testing. Allele origin: germline.